The following is an entry in ClinVar:

ClinVar aggregate classification (germline): Uncertain significance (1 of 4 stars; one submission).

Allele frequency attached by ClinVar (database versions not stated): gnomAD exomes below 0.00001 and 0.00001; TOPMed below 0.00001.

Submission:

Seattle Children's Hospital Molecular Genetics Laboratory, Seattle Children's Hospital
Classification: Uncertain significance. Last evaluated: 2022-02-01. Review status: criteria provided, single submitter. Criteria: ACMG Guidelines, 2015. Collection method: clinical testing. Allele origin: germline. Affected: yes.
Comment: Some in silico tools predict that the p.Leu369Val change is damaging, while others predict this change is tolerated. This variant is located in the C-terminal domain of the protein that has yet to be fully characterized (PMID: 29307792). The p.Leu396Val variant has been observed once in the general population (gnomAD v2.1.1, 1/192,444 alleles) and is absent from the medical literature and patient databases.

NM_018419.3(SOX18):c.1105C>G (p.Leu369Val)

Gene: SOX18 (SRY-box transcription factor 18; minus strand). Cytogenetic location: 20q13.33.
Variant type: single nucleotide variant.
Coding change: c.1105C>G on transcript NM_018419.3 (MANE Select); coding-DNA position 1105, C replaced by G.
Protein change: p.Leu369Val; replaces leucine 369 with valine.
Molecular consequence: missense variant.
Genome position (GRCh38, 1-based): chr20:64,048,216, G>C on the plus strand (C>G on the coding strand, the complement: SOX18 is on the minus strand). VCF-style: chr20-64048216-G-C. GRCh37 (hg19) VCF-style: chr20-62679569-G-C.
Other names: short protein forms L369V.
Identifiers: ClinVar variation 1691340 (VCV001691340.2), dbSNP rs1206531002, ClinGen allele CA409751304.